The following is an entry in ClinVar:

NM_002692.4(POLE2):c.588del (p.Leu197fs)

Gene: POLE2 (DNA polymerase epsilon 2, accessory subunit; minus strand). Cytogenetic location: 14q21.3.
Variant type: Deletion.
Coding change: c.588del on transcript NM_002692.4 (MANE Select); coding-DNA position 588, one base deleted (T; older notation c.588delT).
Protein change: p.Leu197fs; shifts the reading frame from leucine 197.
Molecular consequence: frameshift variant.
Genome position (GRCh38, 1-based): chr14:49,665,152, A deleted on the plus strand (T on the coding strand, the reverse complement: POLE2 is on the minus strand); the first of 6 consecutive A bases (chr14:49,665,152-49,665,157); deleting any one gives the same sequence. VCF-style (leftmost placement, unchanged base first): chr14-49665151-GA-G. GRCh37 (hg19) VCF-style: chr14-50131869-GA-G.
Other names: c.510del, p.Leu171fs (NM_001197330.2); c.588del, p.Leu197fs (NM_001197331.3, NM_001348384.2); c.357del, p.Leu120fs (NM_001348385.2); short protein forms L197fs, L171fs, L120fs.
Identifiers: ClinVar variation 4690870 (VCV004690870.1).

ClinVar aggregate classification (germline): Uncertain significance (1 of 4 stars; one submission).

Submission:

Labcorp Genetics (formerly Invitae), Labcorp
Classification: Uncertain significance. Last evaluated: 2025-12-10. Review status: criteria provided, single submitter. Criteria: Invitae Variant Classification Sherloc (09022015). Collection method: clinical testing. Allele origin: germline.
Comment: This sequence change creates a premature translational stop signal (p.Leu197Trpfs*10) in the POLE2 gene. It is expected to result in an absent or disrupted protein product. However, the current clinical and genetic evidence is not sufficient to establish whether loss-of-function variants in POLE2 cause disease. This variant is not present in population databases (gnomAD no frequency). This variant has not been reported in the literature in individuals affected with POLE2-related conditions. In summary, the available evidence is currently insufficient to determine the role of this variant in disease. Therefore, it has been classified as a Variant of Uncertain Significance.